The following is an entry in ClinVar:

NM_001372.4(DNAH9):c.650T>C (p.Ile217Thr)

Gene: DNAH9 (dynein axonemal heavy chain 9; plus strand). Cytogenetic location: 17p12.
Variant type: single nucleotide variant.
Coding change: c.650T>C on transcript NM_001372.4 (MANE Select); coding-DNA position 650, T replaced by C.
Protein change: p.Ile217Thr; replaces isoleucine 217 with threonine.
Molecular consequence: missense variant.
Genome position (GRCh38, 1-based): chr17:11,610,431, T>C. VCF-style: chr17-11610431-T-C. GRCh37 (hg19) VCF-style: chr17-11513748-T-C.
Other names: c.650T>C (NM_001372.3); short protein forms I217T.
Identifiers: ClinVar variation 1381009 (VCV001381009.5), dbSNP rs143037410, ClinGen allele CA8394614.

ClinVar aggregate classification (germline): Uncertain significance. Review status: criteria provided, multiple submitters, no conflicts (2 of 4 stars). 2 submissions from 2 submitters: Uncertain significance (2). Last evaluated 2025-11-26.

Conditions:
Inborn genetic diseases. Identifiers: MedGen C0950123, MeSH D030342.

Allele frequency attached by ClinVar (database versions not stated): gnomAD exomes 0.00010 and 0.00008; gnomAD 0.00011; 1000 Genomes Project 0.00020; ExAC 0.00006; TOPMed 0.00018; ESP Exome Variant Server 0.00015; 1000 Genomes Project 30x 0.00016.
gnomAD v4.1: 160 of 1,613,792 alleles (0.0099%); highest among the groups gnomAD compares: Admixed American, 0.03%; no homozygotes.

Submissions (2):

Ambry Genetics
Classification: Uncertain significance for Inborn genetic diseases. Last evaluated: 2025-11-26. Review status: criteria provided, single submitter. Criteria: Ambry Variant Classification Scheme 2023. Collection method: clinical testing. Allele origin: germline.

Labcorp Genetics (formerly Invitae), Labcorp
Classification: Uncertain significance. Last evaluated: 2022-08-09. Review status: criteria provided, single submitter. Criteria: Invitae Variant Classification Sherloc (09022015). Collection method: clinical testing. Allele origin: germline.
Comment: This sequence change replaces isoleucine, which is neutral and non-polar, with threonine, which is neutral and polar, at codon 217 of the DNAH9 protein (p.Ile217Thr). This variant is present in population databases (rs143037410, gnomAD 0.03%). This variant has not been reported in the literature in individuals affected with DNAH9-related conditions. ClinVar contains an entry for this variant (Variation ID: 1381009). Algorithms developed to predict the effect of missense changes on protein structure and function are either unavailable or do not agree on the potential impact of this missense change (SIFT: "Deleterious"; PolyPhen-2: "Benign"; Align-GVGD: "Class C0"). In summary, the available evidence is currently insufficient to determine the role of this variant in disease. Therefore, it has been classified as a Variant of Uncertain Significance.